The following is an entry in ClinVar:

ClinVar aggregate classification (germline): Benign/Likely benign. Review status: criteria provided, multiple submitters, no conflicts (2 of 4 stars). 3 submissions from 3 submitters: Benign (1); Likely benign (2). Last evaluated 2025-05-30.

Conditions:
Hereditary leiomyomatosis and renal cell cancer. Also called: Familial leiomyomatosis; MULTIPLE CUTANEOUS AND UTERINE LEIOMYOMATA 1, WITH OR WITHOUT RENAL CELL CARCINOMA; Multiple cutaneous leiomyomas; Reed syndrome; Multiple cutaneous and uterine leiomyomatosis; Cutaneous leiomyomata with uterine leiomyomata. Identifiers: Orphanet 523, MedGen C1708350, MONDO:0007888, OMIM 150800, HP:0007437. Disease mechanism: loss of function.
Hereditary cancer-predisposing syndrome. Also called: Tumor predisposition; Hereditary neoplastic syndrome; Neoplastic Syndromes, Hereditary; Hereditary Cancer Syndrome. Identifiers: Orphanet 140162, MedGen C0027672, MeSH D009386, MONDO:0015356.

Submissions (3):

Labcorp Genetics (formerly Invitae), Labcorp
Classification: Likely benign. Last evaluated: 2025-05-30. Review status: criteria provided, single submitter. Criteria: Invitae Variant Classification Sherloc (09022015). Collection method: clinical testing. Allele origin: germline.

Myriad Genetics, Inc.
Classification: Benign for Hereditary leiomyomatosis and renal cell cancer. Last evaluated: 2024-10-18. Review status: criteria provided, single submitter. Criteria: Myriad Autosomal Dominant, Autosomal Recessive and X-Linked Classification Criteria (2023). Collection method: clinical testing. Allele origin: unknown.
Comment: This variant is considered benign. This variant is a silent/synonymous amino acid change and it is not expected to impact splicing.

Ambry Genetics
Classification: Likely benign for Hereditary cancer-predisposing syndrome. Last evaluated: 2019-09-04. Review status: criteria provided, single submitter. Criteria: Ambry Variant Classification Scheme 2023. Collection method: clinical testing. Allele origin: germline.

NM_000143.4(FH):c.531C>G (p.Pro177=)

Gene: FH (fumarate hydratase; minus strand). Cytogenetic location: 1q43.
Variant type: single nucleotide variant.
Coding change: c.531C>G on transcript NM_000143.4 (MANE Select); coding-DNA position 531, C replaced by G.
Protein change: p.Pro177=; no amino-acid change (proline 177 retained).
Molecular consequence: synonymous variant.
Genome position (GRCh38, 1-based): chr1:241,511,991, G>C on the plus strand (C>G on the coding strand, the complement: FH is on the minus strand). VCF-style: chr1-241511991-G-C. GRCh37 (hg19) VCF-style: chr1-241675291-G-C.
Identifiers: ClinVar variation 460362 (VCV000460362.14), dbSNP rs202056137, ClinGen allele CA40331824.